The following is an entry in ClinVar:

NM_182914.3(SYNE2):c.354T>C (p.Asp118=)

Gene: SYNE2 (spectrin repeat containing nuclear envelope protein 2; plus strand). Cytogenetic location: 14q23.2.
Variant type: single nucleotide variant.
Coding change: c.354T>C on transcript NM_182914.3 (MANE Select); coding-DNA position 354, T replaced by C.
Protein change: p.Asp118=; no amino-acid change (aspartic acid 118 retained).
Molecular consequence: synonymous variant.
Genome position (GRCh38, 1-based): chr14:63,942,089, T>C. VCF-style: chr14-63942089-T-C. GRCh37 (hg19) VCF-style: chr14-64408807-T-C.
Other names: c.354T>C, p.Asp118= (NM_015180.6).
Identifiers: ClinVar variation 706808 (VCV000706808.26), dbSNP rs376281752, ClinGen allele CA7219089.

ClinVar aggregate classification (germline): Likely benign. Review status: criteria provided, multiple submitters, no conflicts (2 of 4 stars). 3 submissions from 3 submitters: Likely benign (3). Last evaluated 2025-09-03.

Conditions:
Emery-Dreifuss muscular dystrophy 5, autosomal dominant (EDMD5). Also called: EMERY-DREIFUSS MUSCULAR DYSTROPHY 5. Identifiers: Orphanet 261, MedGen C2751805, MONDO:0013072, OMIM 612999.

Allele frequency attached by ClinVar (database versions not stated): ExAC 0.00005; gnomAD exomes 0.00007 and 0.00010; ESP Exome Variant Server 0.00008; TOPMed 0.00008; gnomAD 0.00009.
gnomAD v4.1: 123 of 1,611,748 alleles (0.0076%); highest among the groups gnomAD compares: South Asian, 0.026%; 1 homozygote.

Submissions (3):

Labcorp Genetics (formerly Invitae), Labcorp
Classification: Likely benign for Emery-Dreifuss muscular dystrophy 5, autosomal dominant. Last evaluated: 2025-09-03. Review status: criteria provided, single submitter. Criteria: Invitae Variant Classification Sherloc (09022015). Collection method: clinical testing. Allele origin: germline.

Blueprint Genetics
Classification: Likely benign. Last evaluated: 2024-10-11. Review status: criteria provided, single submitter. Criteria: ACMG Guidelines, 2015. Collection method: clinical testing. Allele origin: germline.

CeGaT Center for Human Genetics Tuebingen
Classification: Likely benign. Last evaluated: 2024-07-01. Review status: criteria provided, single submitter. Criteria: CeGaT Center For Human Genetics Tuebingen Variant Classification Criteria Version 2. Collection method: clinical testing. Allele origin: germline. Affected: yes. Observed: 1 variant allele.
Comment: SYNE2: BP4, BP7